The following is an entry in ClinVar:

NM_000535.7(PMS2):c.555C>T (p.Val185=)

Gene: PMS2 (PMS1 homolog 2, mismatch repair system component; minus strand). Cytogenetic location: 7p22.1.
Variant type: single nucleotide variant.
Coding change: c.555C>T on transcript NM_000535.7 (MANE Select); coding-DNA position 555, C replaced by T.
Protein change: p.Val185=; no amino-acid change (valine 185 retained).
Molecular consequence: synonymous variant. On other transcripts: non-coding transcript variant (1), intron variant (3).
Genome position (GRCh38, 1-based): chr7:5,999,258, G>A on the plus strand (C>T on the coding strand, the complement: PMS2 is on the minus strand). VCF-style: chr7-5999258-G-A. GRCh37 (hg19) VCF-style: chr7-6038889-G-A.
Other names: c.150C>T, p.Val50= (NM_001322003.2, NM_001322004.2, NM_001322005.2 and 2 more transcripts); c.555C>T, p.Val185= (NM_001322006.2, NM_001322014.2); c.237C>T, p.Val79= (NM_001322007.2, NM_001322008.2); c.246C>T, p.Val82= (NM_001322015.2); c.133-1835C>T (NM_001322013.2); c.-347-32C>T (NM_001322012.2, NM_001322011.2); c.555C>T (NM_000535.6).
Identifiers: ClinVar variation 229893 (VCV000229893.25), dbSNP rs759078497, ClinGen allele CA050341.

ClinVar aggregate classification (germline): Conflicting classifications of pathogenicity. Review status: criteria provided, conflicting classifications (1 of 4 stars). 6 submissions from 6 submitters: Uncertain significance (1); Benign (1); Likely benign (4). Last evaluated 2026-01-24.

Conditions:
Hereditary nonpolyposis colorectal neoplasms. Identifiers: MedGen C0009405, MeSH D003123.
Hereditary cancer-predisposing syndrome. Also called: Hereditary neoplastic syndrome; Hereditary Cancer Syndrome; Neoplastic Syndromes, Hereditary; Tumor predisposition. Identifiers: Orphanet 140162, MedGen C0027672, MeSH D009386, MONDO:0015356.
Lynch syndrome 4 (LYNCH4). Also called: Colorectal cancer, hereditary nonpolyposis, type 4; Hereditary non-polyposis colorectal cancer, type 4. Identifiers: Orphanet 144, MedGen C1838333, MONDO:0013699, OMIM 614337. Disease mechanism: loss of function.

Allele frequency attached by ClinVar (database versions not stated): gnomAD exomes below 0.00001 and 0.00001; TOPMed below 0.00001; ExAC 0.00001.
gnomAD v4.1: 5 of 1,613,858 alleles (0.00031%); highest among the groups gnomAD compares: Non-Finnish European, 0.00042%; no homozygotes.

Submissions (6):

Labcorp Genetics (formerly Invitae), Labcorp
Classification: Likely benign for Hereditary nonpolyposis colorectal neoplasms. Last evaluated: 2026-01-24. Review status: criteria provided, single submitter. Criteria: Invitae Variant Classification Sherloc (09022015). Collection method: clinical testing. Allele origin: germline.

Myriad Genetics, Inc.
Classification: Benign for Lynch syndrome 4. Last evaluated: 2025-01-27. Review status: criteria provided, single submitter. Criteria: Myriad Autosomal Dominant, Autosomal Recessive and X-Linked Classification Criteria (2023). Collection method: clinical testing. Allele origin: unknown.
Comment: This variant is considered benign. This variant is a silent/synonymous amino acid change and it is not expected to impact splicing.

KCCC/NGS Laboratory, Kuwait Cancer Control Center
Classification: Likely benign for Lynch syndrome 4. Last evaluated: 2023-07-07. Review status: criteria provided, single submitter. Criteria: ACMG Guidelines, 2015. Collection method: clinical testing. Allele origin: germline. Affected: yes.

GeneDx
Classification: Uncertain significance. Last evaluated: 2023-05-11. Review status: criteria provided, single submitter. Criteria: GeneDx Variant Classification Process June 2021. Collection method: clinical testing. Allele origin: germline. Affected: yes.
Comment: Not observed at significant frequency in large population cohorts (gnomAD); Has not been previously published as pathogenic or benign to our knowledge; In silico analysis is inconclusive as to whether the variant alters gene splicing. In the absence of RNA/functional studies, the actual effect of this sequence change is unknown.

Ambry Genetics
Classification: Likely benign for Hereditary cancer-predisposing syndrome. Last evaluated: 2023-01-26. Review status: criteria provided, single submitter. Criteria: Ambry Variant Classification Scheme 2023. Collection method: clinical testing. Allele origin: germline.

Color Diagnostics, LLC DBA Color Health
Classification: Likely benign for Hereditary cancer-predisposing syndrome. Last evaluated: 2017-02-01. Review status: criteria provided, single submitter. Criteria: ACMG Guidelines, 2015. Collection method: clinical testing. Allele origin: germline.